The following is an entry in ClinVar:

ClinVar aggregate classification (germline): Benign/Likely benign. Review status: criteria provided, multiple submitters, no conflicts (2 of 4 stars). 3 submissions from 3 submitters: Benign (1); Likely benign (2). Last evaluated 2024-08-29.

Conditions:
Hereditary cancer-predisposing syndrome. Also called: Neoplastic Syndromes, Hereditary; Hereditary Cancer Syndrome; Tumor predisposition; Hereditary neoplastic syndrome. Identifiers: Orphanet 140162, MedGen C0027672, MeSH D009386, MONDO:0015356.
Familial cancer of breast. Also called: Hereditary breast cancer; BREAST CANCER, FAMILIAL; hereditary breast carcinoma. Identifiers: Orphanet 227535, MedGen C0346153, MONDO:0016419, OMIM 114480. Disease mechanism: loss of function.
Ataxia-telangiectasia syndrome (AT). Also called: LOUIS-BAR SYNDROME; Cerebello-oculocutaneous telangiectasia; Immunodeficiency with ataxia telangiectasia; Ataxia-telangiectasia, complementation group D; AT, COMPLEMENTATION GROUP C; Ataxia-telangiectasia, complementation group E. Identifiers: Orphanet 100, MedGen C0004135, MONDO:0008840, OMIM 208900.

Allele frequency attached by ClinVar (database versions not stated): gnomAD exomes below 0.00001.
gnomAD v4.1: 1 of 1,613,916 alleles (0.000062%); highest among the groups gnomAD compares: Non-Finnish European, 0.000085%; no homozygotes.

Submissions (3):

Labcorp Genetics (formerly Invitae), Labcorp
Classification: Likely benign for Ataxia-telangiectasia syndrome. Last evaluated: 2024-08-29. Review status: criteria provided, single submitter. Criteria: Invitae Variant Classification Sherloc (09022015). Collection method: clinical testing. Allele origin: germline.

Myriad Genetics, Inc.
Classification: Benign for Familial cancer of breast. Last evaluated: 2024-06-20. Review status: criteria provided, single submitter. Criteria: Myriad Autosomal Dominant, Autosomal Recessive and X-Linked Classification Criteria (2023). Collection method: clinical testing. Allele origin: unknown.
Comment: This variant is considered benign. This variant is a silent/synonymous amino acid change and it is not expected to impact splicing.

Ambry Genetics
Classification: Likely benign for Hereditary cancer-predisposing syndrome. Last evaluated: 2015-10-30. Review status: criteria provided, single submitter. Criteria: Ambry Variant Classification Scheme 2023. Collection method: clinical testing. Allele origin: germline.

NM_000051.4(ATM):c.8691C>A (p.Gly2897=)

Genes: C11orf65 (chromosome 11 open reading frame 65; minus strand), ATM (ATM serine/threonine kinase; plus strand). Cytogenetic location: 11q22.3.
Variant type: single nucleotide variant.
Coding change: c.8691C>A on transcript NM_000051.4 (MANE Select); coding-DNA position 8691, C replaced by A.
Protein change: p.Gly2897=; no amino-acid change (glycine 2897 retained).
Molecular consequence: synonymous variant. On other transcripts: intron variant (2).
Genome position (GRCh38, 1-based): chr11:108,353,785, C>A. VCF-style: chr11-108353785-C-A. GRCh37 (hg19) VCF-style: chr11-108224512-C-A.
Other names: c.8691C>A, p.Gly2897= (NM_001351834.2); c.640+32135G>T (NM_001330368.2); c.695-18493G>T (NM_001351110.2).
Identifiers: ClinVar variation 482543 (VCV000482543.15), dbSNP rs1555142814, ClinGen allele CA476673803.